The following is an entry in ClinVar:

NM_006158.5(NEFL):c.449C>T (p.Ala150Val)

Gene: NEFL (neurofilament light chain; minus strand). Cytogenetic location: 8p21.2.
Variant type: single nucleotide variant.
Coding change: c.449C>T on transcript NM_006158.5 (MANE Select); coding-DNA position 449, C replaced by T.
Protein change: p.Ala150Val; replaces alanine 150 with valine.
Molecular consequence: missense variant.
Genome position (GRCh38, 1-based): chr8:24,956,067, G>A on the plus strand (C>T on the coding strand, the complement: NEFL is on the minus strand). VCF-style: chr8-24956067-G-A. GRCh37 (hg19) VCF-style: chr8-24813581-G-A.
Other names: short protein forms A150V.
Identifiers: ClinVar variation 3689391 (VCV003689391.2).
Genomic context (GRCh38, chr8:24,956,067, plus strand): 5'-GTCTCCTCCAGCCCTTCGCGCTCGCCCTGGAGCGCCTGCTTCTCGTTGGTGGCATCTTCC[G>A]CCGCCAGGCGCAGGTCGCGGATCTCCTGCTCGTACAGCGCCCGGAAGCGGGATGGCTCGG-3'
Protein context (NP_006149.2, residues 140-160): EQEIRDLRLA[Ala150Val]EDATNEKQAL

ClinVar aggregate classification (germline): Uncertain significance (1 of 4 stars; one submission).

Conditions:
Charcot-Marie-Tooth disease type 2E (CMT2E). Also called: CHARCOT-MARIE-TOOTH NEUROPATHY, TYPE 2E; CHARCOT-MARIE-TOOTH DISEASE, AXONAL, TYPE 2E. Identifiers: Orphanet 99939, MedGen C1843225, MONDO:0011894, OMIM 607684.

Submission:

Labcorp Genetics (formerly Invitae), Labcorp
Classification: Uncertain significance for Charcot-Marie-Tooth disease type 2E. Last evaluated: 2024-04-09. Review status: criteria provided, single submitter. Criteria: Invitae Variant Classification Sherloc (09022015). Collection method: clinical testing. Allele origin: germline.
Comment: This sequence change replaces alanine, which is neutral and non-polar, with valine, which is neutral and non-polar, at codon 150 of the NEFL protein (p.Ala150Val). This variant is not present in population databases (gnomAD no frequency). This variant has not been reported in the literature in individuals affected with NEFL-related conditions. Advanced modeling of protein sequence and biophysical properties (such as structural, functional, and spatial information, amino acid conservation, physicochemical variation, residue mobility, and thermodynamic stability) performed at Invitae indicates that this missense variant is not expected to disrupt NEFL protein function with a negative predictive value of 80%. In summary, the available evidence is currently insufficient to determine the role of this variant in disease. Therefore, it has been classified as a Variant of Uncertain Significance.